The following is an entry in ClinVar:

NM_017711.4(GDPD2):c.711C>T (p.Pro237=)

Gene: GDPD2 (glycerophosphodiester phosphodiesterase domain containing 2; plus strand). Cytogenetic location: Xq13.1.
Variant type: single nucleotide variant.
Coding change: c.711C>T on transcript NM_017711.4 (MANE Select); coding-DNA position 711, C replaced by T.
Protein change: p.Pro237=; no amino-acid change (proline 237 retained).
Molecular consequence: synonymous variant.
Genome position (GRCh38, 1-based): chrX:70,427,145, C>T. VCF-style: chrX-70427145-C-T. GRCh37 (hg19) VCF-style: chrX-69646995-C-T.
Other names: c.474C>T, p.Pro158= (NM_001171191.2, NM_001171193.2); c.711C>T, p.Pro237= (NM_001171192.2).
Identifiers: ClinVar variation 2660819 (VCV002660819.24), dbSNP rs764635100, ClinGen allele CA10441703.
Genomic context (GRCh38, chrX:70,427,145, plus strand): 5'-TTCCCAGTCTCCCACCCTTCCCTGCTACCTCATCACCTATTCCCTTTCCCAGCTGGCTCC[C>T]GAGAACACCCTGATGTCCTTGCGGAAGACAGCTGAATGCGGAGCTACTGTGTTTGAGACT-3'
Protein context (NP_060181.2, residues 227-247): VGHRGAPMLA[Pro237=]ENTLMSLRKT

ClinVar aggregate classification (germline): Likely benign (1 of 4 stars; one submission).

Allele frequency attached by ClinVar (database versions not stated): ExAC 0.00001; TOPMed 0.00002; gnomAD exomes 0.00004.
gnomAD v4.1: 52 of 1,204,700 alleles (0.0043%); highest among the groups gnomAD compares: Middle Eastern, 0.023%; no homozygotes.

Submission:

CeGaT Center for Human Genetics Tuebingen
Classification: Likely benign. Last evaluated: 2023-02-01. Review status: criteria provided, single submitter. Criteria: CeGaT Center For Human Genetics Tuebingen Variant Classification Criteria Version 2. Collection method: clinical testing. Allele origin: germline. Affected: yes. Observed: 1 variant allele.
Comment: GDPD2: BP4, BP7